The following is an entry in ClinVar:

NM_001375524.1(TRRAP):c.1505C>T (p.Pro502Leu)

Gene: TRRAP (transformation/transcription domain associated protein; plus strand). Cytogenetic location: 7q22.1.
Variant type: single nucleotide variant.
Coding change: c.1505C>T on transcript NM_001375524.1 (MANE Select); coding-DNA position 1505, C replaced by T.
Protein change: p.Pro502Leu; replaces proline 502 with leucine.
Molecular consequence: missense variant.
Genome position (GRCh38, 1-based): chr7:98,910,210, C>T. VCF-style: chr7-98910210-C-T. GRCh37 (hg19) VCF-style: chr7-98507833-C-T.
Other names: c.1505C>T, p.Pro502Leu (NM_001244580.2, NM_003496.4); short protein forms P502L.
Identifiers: ClinVar variation 4775640 (VCV004775640.1).

ClinVar aggregate classification (germline): Uncertain significance (1 of 4 stars; one submission).

Submission:

Labcorp Genetics (formerly Invitae), Labcorp
Classification: Uncertain significance. Last evaluated: 2025-12-04. Review status: criteria provided, single submitter. Criteria: Invitae Variant Classification Sherloc (09022015). Collection method: clinical testing. Allele origin: germline.
Comment: This sequence change replaces proline, which is neutral and non-polar, with leucine, which is neutral and non-polar, at codon 502 of the TRRAP protein (p.Pro502Leu). This variant is not present in population databases (gnomAD no frequency). This variant has not been reported in the literature in individuals affected with TRRAP-related conditions. Invitae Evidence Modeling of protein sequence and biophysical properties (such as structural, functional, and spatial information, amino acid conservation, physicochemical variation, residue mobility, and thermodynamic stability) indicates that this missense variant is not expected to disrupt TRRAP protein function with a negative predictive value of 80%. In summary, the available evidence is currently insufficient to determine the role of this variant in disease. Therefore, it has been classified as a Variant of Uncertain Significance.